The following is an entry in ClinVar:

NM_015057.5(MYCBP2):c.2630-2A>C

Gene: MYCBP2 (MYC binding protein 2; minus strand). Cytogenetic location: 13q22.3.
Variant type: single nucleotide variant.
Coding change: c.2630-2A>C on transcript NM_015057.5 (MANE Select); the canonical splice acceptor site of the intron before coding-DNA position 2630, A replaced by C.
Molecular consequence: splice acceptor variant.
Genome position (GRCh38, 1-based): chr13:77,233,265, T>G on the plus strand (A>C on the coding strand, the complement: MYCBP2 is on the minus strand). VCF-style: chr13-77233265-T-G. GRCh37 (hg19) VCF-style: chr13-77807400-T-G.
Identifiers: ClinVar variation 2503308 (VCV002503308.1), dbSNP rs373873724, ClinGen allele CA7010178.
Genomic context (GRCh38, chr13:77,233,265, plus strand): 5'-TCTGGCTAGAGCCTGTTCTCGATGGTTCATAAAAATAGGACCAGCAAATACAAGGGGGCC[T>G]GAGGAGAAACATTTTGTATGTGCATAGAAAAACTCACAAAATGAAAACACTATAATGAAC-3'

ClinVar aggregate classification (germline): Uncertain significance (1 of 4 stars; one submission).

Allele frequency attached by ClinVar (database versions not stated): ESP Exome Variant Server 0.00008.
gnomAD v4.1: 21 of 1,610,304 alleles (0.0013%); highest among the groups gnomAD compares: Non-Finnish European, 0.0016%; no homozygotes.

Submission:

GeneDx
Classification: Uncertain significance. Last evaluated: 2022-11-23. Review status: criteria provided, single submitter. Criteria: GeneDx Variant Classification Process June 2021. Collection method: clinical testing. Allele origin: germline. Affected: yes.
Comment: Canonical splice site variant in a gene or region of a gene for which loss of function is not a well-established mechanism of disease; Has not been previously published as pathogenic or benign to our knowledge